The following is an entry in ClinVar:

NM_001048174.2(MUTYH):c.395A>T (p.Gln132Leu)

Gene: MUTYH (mutY DNA glycosylase; minus strand). Cytogenetic location: 1p34.1.
Variant type: single nucleotide variant.
Coding change: c.395A>T on transcript NM_001048174.2 (MANE Select); coding-DNA position 395, A replaced by T.
Protein change: p.Gln132Leu; replaces glutamine 132 with leucine.
Molecular consequence: missense variant. On other transcripts: intron variant (4), non-coding transcript variant (6).
Genome position (GRCh38, 1-based): chr1:45,332,943, T>A on the plus strand (A>T on the coding strand, the complement: MUTYH is on the minus strand). VCF-style: chr1-45332943-T-A. GRCh37 (hg19) VCF-style: chr1-45798615-T-A.
Other names: c.395A>T, p.Gln132Leu (NM_001048171.2, NM_001048173.2, NM_001407072.1 and 5 more transcripts); c.398A>T, p.Gln133Leu (NM_001048172.2, NM_001407071.1, NM_001407078.1 and 1 more transcripts); c.311A>T, p.Gln104Leu (NM_001407075.1); c.428A>T, p.Gln143Leu (NM_001407077.1, NM_001293191.2); c.50A>T, p.Gln17Leu (NM_001407082.1, NM_001350650.2, NM_001350651.2); c.437A>T, p.Gln146Leu (NM_001407083.1, NM_001407085.1); c.421-109A>T (NM_001407073.1); c.454-109A>T (NM_001407069.1); and 7 more; short protein forms Q133L, Q40L, Q104L, Q132L, Q143L, Q147L, Q157L, Q139L.
Identifiers: ClinVar variation 4113679 (VCV004113679.1).
Genomic context (GRCh38, chr1:45,332,943, plus strand): 5'-TGTTCCTATTTCCCCTACCCTAGGGTGGCTCTCACCTCCAGGGAAGCACTGGCCAGGTCC[T>A]GCAGTGTAGGCCACTTCTATAGCCACAGGCAGGCAGAAAGAGACAAGGTCAAGGGTGAAG-3'
Protein context (NP_001041639.1, residues 122-142): TGWMQKWPTL[Gln132Leu]DLASASLEEV

ClinVar aggregate classification (germline): Uncertain significance (1 of 4 stars; one submission).

Conditions:
Hereditary cancer-predisposing syndrome. Also called: Hereditary neoplastic syndrome; Neoplastic Syndromes, Hereditary; Tumor predisposition; Hereditary Cancer Syndrome. Identifiers: Orphanet 140162, MedGen C0027672, MeSH D009386, MONDO:0015356.

Submission:

Ambry Genetics
Classification: Uncertain significance for Hereditary cancer-predisposing syndrome. Last evaluated: 2025-08-27. Review status: criteria provided, single submitter. Criteria: Ambry Variant Classification Scheme 2023. Collection method: clinical testing. Allele origin: germline.
Comment: The p.Q160L variant (also known as c.479A>T), located in coding exon 6 of the MUTYH gene, results from an A to T substitution at nucleotide position 479. The glutamine at codon 160 is replaced by leucine, an amino acid with dissimilar properties. This amino acid position is conserved. In addition, the in silico prediction for this alteration is inconclusive. Based on the available evidence, the clinical significance of this variant remains unclear.